The following is an entry in ClinVar:

ClinVar aggregate classification (germline): Uncertain significance (1 of 4 stars; one submission).

Conditions:
Inborn genetic diseases. Identifiers: MedGen C0950123, MeSH D030342.

gnomAD v4.1: 4 of 1,613,972 alleles (0.00025%); highest among the groups gnomAD compares: Non-Finnish European, 0.00034%; no homozygotes.

Submission:

Ambry Genetics
Classification: Uncertain significance for Inborn genetic diseases. Last evaluated: 2026-08-08. Review status: criteria provided, single submitter. Criteria: Ambry Variant Classification Scheme 2023. Collection method: clinical testing. Allele origin: germline.
Comment: The p.L159F variant (also known as c.475C>T), located in coding exon 3 of the CAV1 gene, results from a C to T substitution at nucleotide position 475. The leucine at codon 159 is replaced by phenylalanine, an amino acid with highly similar properties. This amino acid position is conserved. In addition, the in silico prediction for this alteration is inconclusive. Based on the available evidence, the clinical significance of this variant remains unclear.

NM_001753.5(CAV1):c.475C>T (p.Leu159Phe)

Gene: CAV1 (caveolin 1; plus strand). Cytogenetic location: 7q31.2.
Variant type: single nucleotide variant.
Coding change: c.475C>T on transcript NM_001753.5 (MANE Select); coding-DNA position 475, C replaced by T.
Protein change: p.Leu159Phe; replaces leucine 159 with phenylalanine.
Molecular consequence: missense variant.
Genome position (GRCh38, 1-based): chr7:116,559,225, C>T. VCF-style: chr7-116559225-C-T. GRCh37 (hg19) VCF-style: chr7-116199279-C-T.
Other names: c.382C>T, p.Leu128Phe (NM_001172895.1, NM_001172896.2, NM_001172897.2); short protein forms L128F, L159F.
Identifiers: ClinVar variation 5033708 (VCV005033708.1).